The following is an entry in ClinVar:

NM_002471.4(MYH6):c.5809G>A (p.Asp1937Asn)

Gene: MYH6 (myosin heavy chain 6; minus strand). Cytogenetic location: 14q11.2.
Variant type: single nucleotide variant.
Coding change: c.5809G>A on transcript NM_002471.4 (MANE Select); coding-DNA position 5809, G replaced by A.
Protein change: p.Asp1937Asn; replaces aspartic acid 1937 with asparagine.
Molecular consequence: missense variant.
Genome position (GRCh38, 1-based): chr14:23,382,051, C>T on the plus strand (G>A on the coding strand, the complement: MYH6 is on the minus strand). VCF-style: chr14-23382051-C-T. GRCh37 (hg19) VCF-style: chr14-23851260-C-T.
Other names: short protein forms D1937N.
Identifiers: ClinVar variation 239180 (VCV000239180.15), dbSNP rs878854503, ClinGen allele CA10583163.
Genomic context (GRCh38, chr14:23,382,051, plus strand): 5'-GCACTCATATTTATTACAGGTTGGCAAGAGTGAGGTTCCCGAGGCAGTGTCACTCCTCAT[C>T]GTGCATTTTTTGCTGCAAAAAGAATAAGAGGTGTGAGGGGGCAGCTGGCAAGAGGGAGAA-3'
Protein context (NP_002462.2, residues 1927-1939): RDIGAKQKMH[Asp1937Asn]EE

ClinVar aggregate classification (germline): Conflicting classifications of pathogenicity. Review status: criteria provided, conflicting classifications (1 of 4 stars). 4 submissions from 4 submitters: Uncertain significance (3); Likely benign (1). Last evaluated 2025-11-08.

Conditions:
MYH6-related disorder. Also called: MYH6-related condition; MYH6-Related Disorders.
Cardiovascular phenotype. Identifiers: MedGen CN230736.
Hypertrophic cardiomyopathy 14. Identifiers: MedGen C2750467, MONDO:0013197, OMIM 613251.

Allele frequency attached by ClinVar (database versions not stated): TOPMed below 0.00001; gnomAD 0.00001; gnomAD exomes 0.00001 and 0.00002.
gnomAD v4.1: 37 of 1,614,040 alleles (0.0023%); highest among the groups gnomAD compares: Non-Finnish European, 0.0028%; no homozygotes.

Submissions (4):

Labcorp Genetics (formerly Invitae), Labcorp
Classification: Uncertain significance for Hypertrophic cardiomyopathy 14. Last evaluated: 2025-11-08. Review status: criteria provided, single submitter. Criteria: Invitae Variant Classification Sherloc (09022015). Collection method: clinical testing. Allele origin: germline.
Comment: This sequence change replaces aspartic acid, which is acidic and polar, with asparagine, which is neutral and polar, at codon 1937 of the MYH6 protein (p.Asp1937Asn). This variant is present in population databases (no rsID available, gnomAD 0.003%). This variant has not been reported in the literature in individuals affected with MYH6-related conditions. ClinVar contains an entry for this variant (Variation ID: 239180). An algorithm developed to predict the effect of missense changes on protein structure and function (PolyPhen-2) suggests that this variant is likely to be tolerated. In summary, the available evidence is currently insufficient to determine the role of this variant in disease. Therefore, it has been classified as a Variant of Uncertain Significance.

Ambry Genetics
Classification: Likely benign for Cardiovascular phenotype. Last evaluated: 2025-08-05. Review status: criteria provided, single submitter. Criteria: Ambry Variant Classification Scheme 2023. Collection method: clinical testing. Allele origin: germline.

PreventionGenetics, part of Exact Sciences
Classification: Uncertain significance for MYH6-related condition. Last evaluated: 2025-06-04. Review status: criteria provided, single submitter. Criteria: ACMG Guidelines, 2015. Collection method: clinical testing. Allele origin: germline.
Comment: The MYH6 c.5809G>A variant is predicted to result in the amino acid substitution p.Asp1937Asn. To our knowledge, this variant has not been reported in the literature. This variant is reported in 0.0033% of alleles in individuals of South Asian descent in gnomAD. At this time, the clinical significance of this variant is uncertain due to the absence of conclusive functional and genetic evidence.

GeneDx
Classification: Uncertain significance. Last evaluated: 2017-08-14. Review status: criteria provided, single submitter. Criteria: GeneDx Variant Classification (06012015). Collection method: clinical testing. Allele origin: germline. Affected: yes.
Comment: The D1937N variant in the MYH6 gene has not been reported previously as a pathogenic variant, nor as a benign variant, to our knowledge. This variant is not observed in large population cohorts (Lek et al., 2016; 1000 Genomes Consortium et al., 2015; Exome Variant Server). The D1937N variant is a semi-conservative amino acid substitution, which may impact secondary protein structure as these residues differ in some properties. This substitution occurs at a position where amino acids with similar properties to Aspartic acid are tolerated across species. In silico analysis is inconsistent in its predictions as to whether or not the variant is damaging to the protein structure/function. We interpret D1937 as a variant of uncertain significance.